The following is an entry in ClinVar:

NM_006766.5(KAT6A):c.2978A>C (p.Glu993Ala)

Gene: KAT6A (lysine acetyltransferase 6A; minus strand). Cytogenetic location: 8p11.21.
Variant type: single nucleotide variant.
Coding change: c.2978A>C on transcript NM_006766.5 (MANE Select); coding-DNA position 2978, A replaced by C.
Protein change: p.Glu993Ala; replaces glutamic acid 993 with alanine.
Molecular consequence: missense variant.
Genome position (GRCh38, 1-based): chr8:41,940,903, T>G on the plus strand (A>C on the coding strand, the complement: KAT6A is on the minus strand). VCF-style: chr8-41940903-T-G. GRCh37 (hg19) VCF-style: chr8-41798421-T-G.
Other names: short protein forms E993A.
Identifiers: ClinVar variation 1966525 (VCV001966525.29), dbSNP rs1367608749, ClinGen allele CA371071248.
Genomic context (GRCh38, chr8:41,940,903, plus strand): 5'-TTTCGCTTCAGCGTGGGCTTTGTGAGAATTGGTGGCGAGCTTGACCGAGGGCTTTCCGGC[T>G]CCTCCTCCTCCTCGCTGCTCTCACTGAAGCCCCTGAGGACAGCCCTGTCACCCTCACTGT-3'
Protein context (NP_006757.2, residues 983-1003): GFSESSEEEE[Glu993Ala]PESPRSSSPP

ClinVar aggregate classification (germline): Likely benign. Review status: criteria provided, multiple submitters, no conflicts (2 of 4 stars). 2 submissions from 2 submitters: Likely benign (2). Last evaluated 2025-04-29.

Allele frequency attached by ClinVar (database versions not stated): gnomAD exomes below 0.00001.
gnomAD v4.1: 7 of 1,596,050 alleles (0.00044%); highest among the groups gnomAD compares: Non-Finnish European, 0.00017%; 1 homozygote.

Submissions (2):

Labcorp Genetics (formerly Invitae), Labcorp
Classification: Likely benign. Last evaluated: 2025-04-29. Review status: criteria provided, single submitter. Criteria: Invitae Variant Classification Sherloc (09022015). Collection method: clinical testing. Allele origin: germline.

CeGaT Center for Human Genetics Tuebingen
Classification: Likely benign. Last evaluated: 2023-09-01. Review status: criteria provided, single submitter. Criteria: CeGaT Center For Human Genetics Tuebingen Variant Classification Criteria Version 2. Collection method: clinical testing. Allele origin: germline. Affected: yes. Observed: 1 variant allele.
Comment: KAT6A: BP4